The following is an entry in ClinVar:

ClinVar aggregate classification (germline): Benign/Likely benign. Review status: criteria provided, multiple submitters, no conflicts (2 of 4 stars). 2 submissions from 2 submitters: Benign (1); Likely benign (1). Last evaluated 2024-10-31.

Conditions:
Multiple endocrine neoplasia, type 1 (MEN1). Also called: MEN I; WERMER SYNDROME; Endocrine adenomatosis multiple; MEN 1; MEA I. Identifiers: Orphanet 652, MedGen C0025267, MeSH D018761, MONDO:0007540, OMIM 131100.

Submissions (2):

Myriad Genetics, Inc.
Classification: Benign for Multiple endocrine neoplasia, type 1. Last evaluated: 2024-10-31. Review status: criteria provided, single submitter. Criteria: Myriad Autosomal Dominant, Autosomal Recessive and X-Linked Classification Criteria (2023). Collection method: clinical testing. Allele origin: unknown.
Comment: This variant is considered benign. This variant is a silent/synonymous amino acid change and it is not expected to impact splicing.

Labcorp Genetics (formerly Invitae), Labcorp
Classification: Likely benign for Multiple endocrine neoplasia, type 1. Last evaluated: 2019-01-24. Review status: criteria provided, single submitter. Criteria: Invitae Variant Classification Sherloc (09022015). Collection method: clinical testing. Allele origin: germline.

NM_001370259.2(MEN1):c.126C>T (p.Gly42=)

Gene: MEN1 (menin 1; minus strand). Cytogenetic location: 11q13.1.
Variant type: single nucleotide variant.
Coding change: c.126C>T on transcript NM_001370259.2 (MANE Select); coding-DNA position 126, C replaced by T.
Protein change: p.Gly42=; no amino-acid change (glycine 42 retained).
Molecular consequence: synonymous variant.
Genome position (GRCh38, 1-based): chr11:64,809,984, G>A on the plus strand (C>T on the coding strand, the complement: MEN1 is on the minus strand). VCF-style: chr11-64809984-G-A. GRCh37 (hg19) VCF-style: chr11-64577456-G-A.
Other names: c.126C>T, p.Gly42= (NM_000244.4, NM_001370251.2, NM_001370260.2 and 9 more transcripts).
Identifiers: ClinVar variation 1135747 (VCV001135747.10), dbSNP rs2136193097, ClinGen allele CA475162967.